The following is an entry in ClinVar:

NM_001723.7(DST):c.6740C>A (p.Ala2247Asp)

Gene: DST (dystonin; minus strand). Cytogenetic location: 6p12.1.
Variant type: single nucleotide variant.
Coding change: c.6740C>A on transcript NM_001723.7 (MANE Plus Clinical); coding-DNA position 6740, C replaced by A.
Protein change: p.Ala2247Asp; replaces alanine 2247 with aspartic acid.
Molecular consequence: missense variant. On other transcripts: intron variant (10).
Genome position (GRCh38, 1-based): chr6:56,616,727, G>T on the plus strand (C>A on the coding strand, the complement: DST is on the minus strand). VCF-style: chr6-56616727-G-T. GRCh37 (hg19) VCF-style: chr6-56481525-G-T.
Other names: c.4831-2243C>A (NM_001144769.5); c.4930-2243C>A (NM_001374722.1, NM_001374736.1); c.4957-2243C>A (NM_001374734.1); c.4417-2243C>A (NM_001144770.2); c.4297-2243C>A (NM_001374730.1, NM_001386100.1, NM_183380.4 and 1 more transcripts); c.3319-2243C>A (NM_015548.5); short protein forms A2247D.
Identifiers: ClinVar variation 964575 (VCV000964575.10), dbSNP rs1215462905, ClinGen allele CA364564489.
Genomic context (GRCh38, chr6:56,616,727, plus strand): 5'-ATTTCTGGAGGAACACGAATGCCTCTCACAGGGTCAATGACACCCCCACTGGCAATCTGG[G>T]CTTCCAAGATATGTTTACCTTTTTGTCTGTCAAGCATTCTATTTTCCATAGCTTGAAACA-3'
Protein context (NP_001714.1, residues 2237-2257): DRQKGKHILE[Ala2247Asp]QIASGGVIDP

ClinVar aggregate classification (germline): Uncertain significance (1 of 4 stars; one submission).

Conditions:
Epidermolysis bullosa simplex 3, localized or generalized intermediate, with BP230 deficiency (EBS3). Also called: Epidermolysis bullosa simplex, autosomal recessive 2; Epidermolysis bullosa simplex due to BP230 deficiency. Identifiers: Orphanet 412181, MedGen C3809470, MONDO:0014180, OMIM 615425.
Hereditary sensory and autonomic neuropathy type 6. Also called: Neuropathy, hereditary sensory and autonomic, type VI; HSAN VI. Identifiers: Orphanet 314381, MedGen C3539003, MONDO:0013839, OMIM 614653.

Submission:

Labcorp Genetics (formerly Invitae), Labcorp
Classification: Uncertain significance for Epidermolysis bullosa simplex 3, localized or generalized intermediate, with BP230 deficiency; Hereditary sensory and autonomic neuropathy type 6. Last evaluated: 2019-11-15. Review status: criteria provided, single submitter. Criteria: Invitae Variant Classification Sherloc (09022015). Collection method: clinical testing. Allele origin: germline.
Comment: In summary, the available evidence is currently insufficient to determine the role of this variant in disease. Therefore, it has been classified as a Variant of Uncertain Significance. Algorithms developed to predict the effect of missense changes on protein structure and function are either unavailable or do not agree on the potential impact of this missense change (SIFT: "Tolerated"; PolyPhen-2: "Possibly Damaging"; Align-GVGD: "Class C0"). This variant has not been reported in the literature in individuals with DST-related conditions. This variant is not present in population databases (ExAC no frequency). This sequence change replaces alanine with aspartic acid at codon 2247 of the DST protein (p.Ala2247Asp). The alanine residue is weakly conserved and there is a moderate physicochemical difference between alanine and aspartic acid.